The following is an entry in ClinVar:

ClinVar aggregate classification (germline): Uncertain significance. Review status: criteria provided, multiple submitters, no conflicts (2 of 4 stars). 2 submissions from 2 submitters: Uncertain significance (2). Last evaluated 2025-12-03.

Conditions:
Inborn genetic diseases. Identifiers: MedGen C0950123, MeSH D030342.
Nephronophthisis. Also called: Juvenile Nephronophthisis. Identifiers: Orphanet 655, MedGen C0687120, MONDO:0019005, HP:0000090.

Allele frequency attached by ClinVar (database versions not stated): TOPMed below 0.00001; gnomAD 0.00001.
gnomAD v4.1: 8 of 1,612,508 alleles (0.0005%); highest among the groups gnomAD compares: Non-Finnish European, 0.00059%; no homozygotes.

Submissions (2):

Ambry Genetics
Classification: Uncertain significance for Inborn genetic diseases. Last evaluated: 2025-12-03. Review status: criteria provided, single submitter. Criteria: Ambry Variant Classification Scheme 2023. Collection method: clinical testing. Allele origin: germline.

Labcorp Genetics (formerly Invitae), Labcorp
Classification: Uncertain significance for Nephronophthisis. Last evaluated: 2022-10-24. Review status: criteria provided, single submitter. Criteria: Invitae Variant Classification Sherloc (09022015). Collection method: clinical testing. Allele origin: germline.
Comment: This sequence change replaces histidine, which is basic and polar, with leucine, which is neutral and non-polar, at codon 1138 of the NPHP4 protein (p.His1138Leu). This variant is not present in population databases (gnomAD no frequency). This variant has not been reported in the literature in individuals affected with NPHP4-related conditions. ClinVar contains an entry for this variant (Variation ID: 1052692). Advanced modeling of protein sequence and biophysical properties (such as structural, functional, and spatial information, amino acid conservation, physicochemical variation, residue mobility, and thermodynamic stability) performed at Invitae indicates that this missense variant is expected to disrupt NPHP4 protein function. In summary, the available evidence is currently insufficient to determine the role of this variant in disease. Therefore, it has been classified as a Variant of Uncertain Significance.

NM_015102.5(NPHP4):c.3413A>T (p.His1138Leu)

Gene: NPHP4 (nephrocystin 4; minus strand). Cytogenetic location: 1p36.31.
Variant type: single nucleotide variant.
Coding change: c.3413A>T on transcript NM_015102.5 (MANE Select); coding-DNA position 3413, A replaced by T.
Protein change: p.His1138Leu; replaces histidine 1138 with leucine.
Molecular consequence: missense variant. On other transcripts: non-coding transcript variant (1).
Genome position (GRCh38, 1-based): chr1:5,867,799, T>A on the plus strand (A>T on the coding strand, the complement: NPHP4 is on the minus strand). VCF-style: chr1-5867799-T-A. GRCh37 (hg19) VCF-style: chr1-5927859-T-A.
Other names: c.3413A>T (NM_015102.3); c.1874A>T, p.His625Leu (NM_001291593.2); c.1877A>T, p.His626Leu (NM_001291594.2); short protein forms H1138L, H625L, H626L.
Identifiers: ClinVar variation 1052692 (VCV001052692.9), dbSNP rs200928069, ClinGen allele CA17130725.